The following is an entry in ClinVar:

NM_153816.6(SNX14):c.2410G>A (p.Val804Ile)

Gene: SNX14 (sorting nexin 14; minus strand). Cytogenetic location: 6q14.3.
Variant type: single nucleotide variant.
Coding change: c.2410G>A on transcript NM_153816.6 (MANE Select); coding-DNA position 2410, G replaced by A.
Protein change: p.Val804Ile; replaces valine 804 with isoleucine.
Molecular consequence: missense variant. On other transcripts: non-coding transcript variant (6), intron variant (2).
Genome position (GRCh38, 1-based): chr6:85,514,217, C>T on the plus strand (G>A on the coding strand, the complement: SNX14 is on the minus strand). VCF-style: chr6-85514217-C-T. GRCh37 (hg19) VCF-style: chr6-86223935-C-T.
Other names: c.2383G>A, p.Val795Ile (NM_001297614.3); c.2254G>A, p.Val752Ile (NM_001304479.2); c.2473G>A, p.Val825Ile (NM_001350532.2); c.2407G>A, p.Val803Ile (NM_001350533.2, NM_001350535.2); c.2380G>A, p.Val794Ile (NM_001350534.2); c.2278G>A, p.Val760Ile (NM_001350536.2); c.2275G>A, p.Val759Ile (NM_001350537.2); c.2266G>A, p.Val756Ile (NM_001350538.2); and 10 more; short protein forms V410I, V794I, V803I, V804I, V454I, V656I, V708I, V751I.
Identifiers: ClinVar variation 1027831 (VCV001027831.9), dbSNP rs141213887, ClinGen allele CA3911867.
Genomic context (GRCh38, chr6:85,514,217, plus strand): 5'-CCAGGGTGTTTTTAAAGAGGATTCGAGTTCCCATTAAGAGATGATGAAGCCAGTCAGGAA[C>T]CTGGAAAACTACCCGTCCTGAGAAAGGATCAAATGGGATACCTCATTGTTCCAGATGAAT-3'
Protein context (NP_722523.1, residues 794-814): LMYVGRVVFQ[Val804Ile]PDWLHHLLMG

ClinVar aggregate classification (germline): Conflicting classifications of pathogenicity. Review status: criteria provided, conflicting classifications (1 of 4 stars). 3 submissions from 3 submitters: Uncertain significance (1); Likely benign (2). Last evaluated 2025-11-07.

Conditions:
Autosomal recessive spinocerebellar ataxia 20. Identifiers: Orphanet 397709, MedGen C5190595, MONDO:0014601, OMIM 616354.

Allele frequency attached by ClinVar (database versions not stated): ExAC 0.00038; gnomAD exomes 0.00039; ESP Exome Variant Server 0.00062; gnomAD 0.00066; TOPMed 0.00079; 1000 Genomes Project 0.00120; 1000 Genomes Project 30x 0.00141.
gnomAD v4.1: 396 of 1,611,936 alleles (0.025%); highest among the groups gnomAD compares: African/African-American, 0.17%; 1 homozygote.

Submissions (3):

Labcorp Genetics (formerly Invitae), Labcorp
Classification: Likely benign. Last evaluated: 2025-11-07. Review status: criteria provided, single submitter. Criteria: Invitae Variant Classification Sherloc (09022015). Collection method: clinical testing. Allele origin: germline.

GeneDx
Classification: Likely benign. Last evaluated: 2021-04-01. Review status: criteria provided, single submitter. Criteria: GeneDx Variant Classification Process June 2021. Collection method: clinical testing. Allele origin: germline. Affected: yes.

Baylor Genetics
Classification: Uncertain significance for Autosomal recessive spinocerebellar ataxia 20. Last evaluated: 2020-04-05. Review status: criteria provided, single submitter. Criteria: ACMG Guidelines, 2015. Collection method: clinical testing. Allele origin: unknown. Affected: yes.
Comment: This variant was determined to be of uncertain significance according to ACMG Guidelines, 2015 [PMID:25741868].